The following is an entry in ClinVar:

NM_000441.2(SLC26A4):c.2062G>A (p.Val688Met)

Gene: SLC26A4 (solute carrier family 26 member 4; plus strand). Cytogenetic location: 7q22.3.
Variant type: single nucleotide variant.
Coding change: c.2062G>A on transcript NM_000441.2 (MANE Select); coding-DNA position 2062, G replaced by A.
Protein change: p.Val688Met; replaces valine 688 with methionine.
Molecular consequence: missense variant.
Genome position (GRCh38, 1-based): chr7:107,704,358, G>A. VCF-style: chr7-107704358-G-A. GRCh37 (hg19) VCF-style: chr7-107344803-G-A.
Other names: p.Val688Met; short protein forms V688M.
Identifiers: ClinVar variation 3379786 (VCV003379786.1).
Genomic context (GRCh38, chr7:107,704,358, plus strand): 5'-TAATTGTTACAAACTCTCCTTTTTTATTTTTAGATTGTCAAAGAATTCCAAAGAATTGAT[G>A]TGAATGTGTATTTTGCATCACTTCAAGGTAAATACATATATCTACATATCTACCTGTAAG-3'
Protein context (NP_000432.1, residues 678-698): VIVKEFQRID[Val688Met]NVYFASLQDY

ClinVar aggregate classification (germline): Uncertain significance (1 of 4 stars; one submission).

Submission:

Mayo Clinic Laboratories, Mayo Clinic
Classification: Uncertain significance. Last evaluated: 2024-07-26. Review status: criteria provided, single submitter. Criteria: ACMG Guidelines, 2015. Collection method: clinical testing. Allele origin: germline. Observed: 2 variant alleles.
Comment: PP3, PP4, PM2, PM3_supporting